The following is an entry in ClinVar:

ClinVar aggregate classification (germline): Uncertain significance (1 of 4 stars; one submission).

Conditions:
SON-related disorder. Also called: SON-related condition.

Allele frequency attached by ClinVar (database versions not stated): gnomAD exomes below 0.00001; TOPMed below 0.00001.
gnomAD v4.1: 3 of 1,613,936 alleles (0.00019%); highest among the groups gnomAD compares: African/African-American, 0.0027%; no homozygotes.

Submission:

PreventionGenetics, part of Exact Sciences
Classification: Uncertain significance for SON-related condition. Last evaluated: 2023-06-06. Review status: criteria provided, single submitter. Criteria: ACMG Guidelines, 2015. Collection method: clinical testing. Allele origin: germline.
Comment: The SON c.5567C>T variant is predicted to result in the amino acid substitution p.Ser1856Phe. To our knowledge, this variant has not been reported in the literature. This variant is reported in 0.0062% of alleles in individuals of African descent in gnomAD. At this time, the clinical significance of this variant is uncertain due to the absence of conclusive functional and genetic evidence.

NM_138927.4(SON):c.5567C>T (p.Ser1856Phe)

Gene: SON (SON DNA and RNA binding protein; plus strand). Cytogenetic location: 21q22.11.
Variant type: single nucleotide variant.
Coding change: c.5567C>T on transcript NM_138927.4 (MANE Select); coding-DNA position 5567, C replaced by T.
Protein change: p.Ser1856Phe; replaces serine 1856 with phenylalanine.
Molecular consequence: missense variant. On other transcripts: non-coding transcript variant (1), intron variant (1).
Genome position (GRCh38, 1-based): chr21:33,554,798, C>T. VCF-style: chr21-33554798-C-T. GRCh37 (hg19) VCF-style: chr21-34927104-C-T.
Other names: c.5567C>T, p.Ser1856Phe (NM_001291411.2, NM_001412133.1, NM_032195.3 and 2 more transcripts); c.245-2358C>T (NM_001291412.3); short protein forms S1856F.
Identifiers: ClinVar variation 2632551 (VCV002632551.1), dbSNP rs1408233408, ClinGen allele CA410165081.